The following is an entry in ClinVar:

ClinVar aggregate classification (germline): Pathogenic/Likely pathogenic. Review status: criteria provided, multiple submitters, no conflicts (2 of 4 stars). 3 submissions from 3 submitters: Pathogenic (2); Likely pathogenic (1). Last evaluated 2023-10-01.

Conditions:
RPGR-related disorder. Also called: RPGR-related condition.
Retinal dystrophy. Also called: Inherited retinal dystrophy. Identifiers: Orphanet 71862, MedGen C0854723, MeSH D058499, MONDO:0019118, HP:0000556.
Primary ciliary dyskinesia. Also called: Ciliary dyskinesia. Identifiers: Orphanet 244, MedGen C0008780, MONDO:0016575, HP:0012265.

Submissions (3):

Dept Of Ophthalmology, Nagoya University
Classification: Likely pathogenic for Retinal dystrophy. Last evaluated: 2023-10-01. Review status: criteria provided, single submitter. Criteria: Submitter's publication. Collection method: research. Allele origin: germline. Affected: yes.

Labcorp Genetics (formerly Invitae), Labcorp
Classification: Pathogenic for Primary ciliary dyskinesia. Last evaluated: 2022-07-14. Review status: criteria provided, single submitter. Criteria: Invitae Variant Classification Sherloc (09022015). Collection method: clinical testing. Allele origin: germline.
Comment: This variant disrupts a region of the RPGR (ORF15) protein in which other variant(s) (p.Leu1130Lysfs*13) have been determined to be pathogenic (PMID: 22264887; Invitae). This suggests that this is a clinically significant region of the protein, and that variants that disrupt it are likely to be disease-causing. For these reasons, this variant has been classified as Pathogenic. This variant is also known as ORF15E228Ter. This premature translational stop signal has been observed in individual(s) with retinitis pigmentosa (PMID: 14564670). This variant is not present in population databases (gnomAD no frequency). This sequence change creates a premature translational stop signal (p.Glu813*) in the RPGR (ORF15) gene. While this is not anticipated to result in nonsense mediated decay, it is expected to disrupt the last 340 amino acid(s) of the RPGR (ORF15) protein.

Blueprint Genetics
Classification: Pathogenic for RPGR-related disorders. Last evaluated: 2020-02-26. Review status: criteria provided, single submitter. Criteria: ACMG Guidelines, 2015. Collection method: clinical testing. Allele origin: germline. Affected: yes. Observed: 2 variant alleles.

Literature cited by the submitters: PubMed 22264887 (cited by Labcorp Genetics (formerly Invitae), Labcorp); PubMed 14564670 (cited by Labcorp Genetics (formerly Invitae), Labcorp).

NM_001034853.2(RPGR):c.2437G>T (p.Glu813Ter)

Gene: RPGR (retinitis pigmentosa GTPase regulator; minus strand). Cytogenetic location: Xp11.4.
Variant type: single nucleotide variant.
Coding change: c.2437G>T on transcript NM_001034853.2 (MANE Select); coding-DNA position 2437, G replaced by T.
Protein change: p.Glu813Ter; replaces glutamic acid 813 with a stop codon.
Molecular consequence: nonsense. On other transcripts: intron variant (8).
Genome position (GRCh38, 1-based): chrX:38,286,562, C>A on the plus strand (G>T on the coding strand, the complement: RPGR is on the minus strand). VCF-style: chrX-38286562-C-A. GRCh37 (hg19) VCF-style: chrX-38145815-C-A.
Other names: c.1569+4397G>T (NM_001367249.1, NM_001367250.1); c.1902+532G>T (NM_001367245.1); c.1386+4397G>T (NM_001367251.1); c.1719+532G>T (NM_001367246.1); c.1572+4397G>T (NM_001367247.1); c.1905+532G>T (NM_000328.3); c.1602+4397G>T (NM_001367248.1); short protein forms E813*.
Identifiers: ClinVar variation 2138536 (VCV002138536.6), dbSNP rs2519790959, ClinGen allele CA412730640.